The following is an entry in ClinVar:

ClinVar aggregate classification (germline): Conflicting classifications of pathogenicity. Review status: criteria provided, conflicting classifications (1 of 4 stars). 2 submissions from 2 submitters: Uncertain significance (1); Likely benign (1). Last evaluated 2024-05-27.

Conditions:
Cardiovascular phenotype. Identifiers: MedGen CN230736.
Congenital primary aphakia. Also called: ANTERIOR SEGMENT DYSGENESIS 2; Anterior segment dysgenesis 2, multiple subtypes. Identifiers: Orphanet 83461, MedGen C1853230, MONDO:0012456, OMIM 610256.
Anterior segment dysgenesis. Also called: Ocular anterior segment dysgenesis. Identifiers: Orphanet 88632, MedGen C1862839, MONDO:0019503, HP:0007700.

Submissions (2):

Labcorp Genetics (formerly Invitae), Labcorp
Classification: Uncertain significance for Anterior segment dysgenesis; Congenital primary aphakia. Last evaluated: 2024-05-27. Review status: criteria provided, single submitter. Criteria: Invitae Variant Classification Sherloc (09022015). Collection method: clinical testing. Allele origin: germline.
Comment: This sequence change affects codon 2 of the FOXE3 mRNA. It is a 'silent' change, meaning that it does not change the encoded amino acid sequence of the FOXE3 protein. This variant is present in population databases (no rsID available, gnomAD 0.01%). This variant has not been reported in the literature in individuals affected with FOXE3-related conditions. ClinVar contains an entry for this variant (Variation ID: 2448365). In summary, the available evidence is currently insufficient to determine the role of this variant in disease. Therefore, it has been classified as a Variant of Uncertain Significance.

Ambry Genetics
Classification: Likely benign for Cardiovascular phenotype. Last evaluated: 2023-01-20. Review status: criteria provided, single submitter. Criteria: Ambry Variant Classification Scheme 2023. Collection method: clinical testing. Allele origin: germline.

NM_012186.3(FOXE3):c.6G>A (p.Ala2=)

Genes: FOXE3 (forkhead box E3; plus strand), LINC01389 (long independently transcribed non-coding RNA 1389; minus strand). Cytogenetic location: 1p33.
Variant type: single nucleotide variant.
Coding change: c.6G>A on transcript NM_012186.3 (MANE Select); coding-DNA position 6, G replaced by A.
Protein change: p.Ala2=; no amino-acid change (alanine 2 retained).
Molecular consequence: synonymous variant.
Genome position (GRCh38, 1-based): chr1:47,416,321, G>A. VCF-style: chr1-47416321-G-A. GRCh37 (hg19) VCF-style: chr1-47881993-G-A.
Identifiers: ClinVar variation 2448365 (VCV002448365.4), dbSNP rs928328635, ClinGen allele CA417891789.
Genomic context (GRCh38, chr1:47,416,321, plus strand): 5'-CGGGTCGGCGGCCCCTGCGGTCCCGGAGCCGCGCGGGCAGGGGCTGCCGCAGCCGATGGC[G>A]GGGCGCAGCGACATGGATCCGCCCGCCGCGTTCTCTGGCTTCCCTGCCCTGCCAGCGGTC-3'
Protein context (NP_036318.1, residues 1-12): M[Ala2=]GRSDMDPPAA